The following is an entry in ClinVar:

NM_000186.4(CFH):c.2039C>T (p.Thr680Ile)

Gene: CFH (complement factor H; plus strand). Cytogenetic location: 1q31.3.
Variant type: single nucleotide variant.
Coding change: c.2039C>T on transcript NM_000186.4 (MANE Select); coding-DNA position 2039, C replaced by T.
Protein change: p.Thr680Ile; replaces threonine 680 with isoleucine.
Molecular consequence: missense variant.
Genome position (GRCh38, 1-based): chr1:196,726,635, C>T. VCF-style: chr1-196726635-C-T. GRCh37 (hg19) VCF-style: chr1-196695765-C-T.
Other names: short protein forms T680I.
Identifiers: ClinVar variation 3716960 (VCV003716960.2).

ClinVar aggregate classification (germline): Uncertain significance (1 of 4 stars; one submission).

Submission:

Labcorp Genetics (formerly Invitae), Labcorp
Classification: Uncertain significance. Last evaluated: 2024-05-02. Review status: criteria provided, single submitter. Criteria: Invitae Variant Classification Sherloc (09022015). Collection method: clinical testing. Allele origin: germline.
Comment: This sequence change replaces threonine, which is neutral and polar, with isoleucine, which is neutral and non-polar, at codon 680 of the CFH protein (p.Thr680Ile). This variant is not present in population databases (gnomAD no frequency). This variant has not been reported in the literature in individuals affected with CFH-related conditions. An algorithm developed to predict the effect of missense changes on protein structure and function (PolyPhen-2) suggests that this variant is likely to be disruptive. In summary, the available evidence is currently insufficient to determine the role of this variant in disease. Therefore, it has been classified as a Variant of Uncertain Significance.